The following is an entry in ClinVar:

ClinVar aggregate classification (germline): Uncertain significance (1 of 4 stars; one submission).

gnomAD v4.1: 7 of 1,563,626 alleles (0.00045%); highest among the groups gnomAD compares: Admixed American, 0.0038%; no homozygotes.

Submission:

Labcorp Genetics (formerly Invitae), Labcorp
Classification: Uncertain significance. Last evaluated: 2022-08-12. Review status: criteria provided, single submitter. Criteria: Invitae Variant Classification Sherloc (09022015). Collection method: clinical testing. Allele origin: germline.
Comment: In summary, the available evidence is currently insufficient to determine the role of this variant in disease. Therefore, it has been classified as a Variant of Uncertain Significance. Variants that disrupt the consensus splice site are a relatively common cause of aberrant splicing (PMID: 17576681, 9536098). Algorithms developed to predict the effect of sequence changes on RNA splicing suggest that this variant is not likely to affect RNA splicing. This variant has not been reported in the literature in individuals affected with KMT2B-related conditions. The frequency data for this variant in the population databases is considered unreliable, as metrics indicate poor data quality at this position in the gnomAD database. This sequence change falls in intron 7 of the KMT2B gene. It does not directly change the encoded amino acid sequence of the KMT2B protein. It affects a nucleotide within the consensus splice site.

Literature cited by the submitters: PubMed 17576681; PubMed 9536098.

NM_014727.3(KMT2B):c.3058+5C>T

Gene: KMT2B (lysine methyltransferase 2B; plus strand). Cytogenetic location: 19q13.12.
Variant type: single nucleotide variant.
Coding change: c.3058+5C>T on transcript NM_014727.3 (MANE Select); 5 bases into the intron after coding-DNA position 3058, C replaced by T.
Molecular consequence: intron variant.
Genome position (GRCh38, 1-based): chr19:35,723,507, C>T. VCF-style: chr19-35723507-C-T. GRCh37 (hg19) VCF-style: chr19-36214409-C-T.
Identifiers: ClinVar variation 1967060 (VCV001967060.5), dbSNP rs929920443, ClinGen allele CA633059364.
Genomic context (GRCh38, chr19:35,723,507, plus strand): 5'-ATACCGGAAGTGTGACAAAATAGAGGCTCGGAAGATGGAACGACTGGCTAAAAAAGGTGA[C>T]GAGCTTTAAGGAGCATTTCTTCTCAAAACCGTGTTAGAGTTTGTGCTGTGGAGGGAGCTG-3'